The following is an entry in ClinVar:

ClinVar aggregate classification (germline): Likely pathogenic. Review status: criteria provided, multiple submitters, no conflicts (2 of 4 stars). 2 submissions from 2 submitters: Likely pathogenic (2). Last evaluated 2025-03-21.

Conditions:
Cardiovascular phenotype. Identifiers: MedGen CN230736.
Autosomal recessive limb-girdle muscular dystrophy type 2J (LGMDR10). Also called: Limb-girdle muscular dystrophy, type 2J; MUSCULAR DYSTROPHY, LIMB-GIRDLE, AUTOSOMAL RECESSIVE 10. Identifiers: Orphanet 140922, MedGen C1837342, MONDO:0012127, OMIM 608807.
Dilated cardiomyopathy 1G (CMD1G). Identifiers: Orphanet 154, MedGen C1858763, MONDO:0011400, OMIM 604145.

Submissions (2):

Labcorp Genetics (formerly Invitae), Labcorp
Classification: Likely pathogenic for Dilated cardiomyopathy 1G; Autosomal recessive limb-girdle muscular dystrophy type 2J. Last evaluated: 2025-03-21. Review status: criteria provided, single submitter. Criteria: Invitae Variant Classification Sherloc (09022015). Collection method: clinical testing. Allele origin: germline.
Comment: This sequence change creates a premature translational stop signal (p.Glu4390*) in the TTN gene. While this is not anticipated to result in nonsense mediated decay, it is expected to create a truncated TTN protein. This variant is not present in population databases (gnomAD no frequency). This variant has not been reported in the literature in individuals affected with TTN-related conditions. This variant is located in the I band of TTN (PMID: 25589632). Truncating variants in this region have been reported in individuals affected with autosomal recessive centronuclear myopathy (PMID: 23975875, internal data). Truncating variants in this region have also been identified in individuals affected with autosomal dominant dilated cardiomyopathy and/or cardio-related conditions (PMID: 27869827, 32964742, internal data). In summary, the currently available evidence indicates that the variant is pathogenic, but additional data are needed to prove that conclusively. Therefore, this variant has been classified as Likely Pathogenic.

Ambry Genetics
Classification: Likely pathogenic for Cardiovascular phenotype. Last evaluated: 2025-02-21. Review status: criteria provided, single submitter. Criteria: Ambry Variant Classification Scheme 2023. Collection method: clinical testing. Allele origin: germline.
Comment: The p.E4027* variant (also known as c.12079G>T), located in coding exon 44 of the TTN gene, results from a G to T substitution at nucleotide position 12079. This changes the amino acid from a glutamic acid to a stop codon within coding exon 44. This exon is located in the I-band region of the N2-B isoform of the titin protein and is constitutively expressed in TTN transcripts (percent spliced in or PSI 100%). This variant is expected to result in loss of function by premature protein truncation or nonsense-mediated mRNA decay. While truncating variants in TTN are present in 1-3% of the general population, truncating variants in the A-band are the most common cause of dilated cardiomyopathy (Herman DS et al. N. Engl. J. Med., 2012 Feb;366:619-28; Roberts AM et al. Sci Transl Med, 2015 Jan;7:270ra6). TTN truncating variants encoded in constitutive exons (PSI >90%) have been found to be significantly associated with DCM regardless of their position in titin (Schafer S et al. Nat. Genet., 2017 01;49:46-53; Akhtar MM et al. Circ Heart Fail, 2020 Oct;13:e006832; Massier M et al. Clin Genet, 2025 Jan). This variant is considered to be rare based on population cohorts in the Genome Aggregation Database (gnomAD). Based on the majority of available evidence to date, this variant is likely to be pathogenic.

Literature cited by the submitters: PubMed 25589632 (cited by Labcorp Genetics (formerly Invitae), Labcorp); PubMed 23975875 (cited by Labcorp Genetics (formerly Invitae), Labcorp); PubMed 27869827 (cited by Labcorp Genetics (formerly Invitae), Labcorp); PubMed 32964742 (cited by Labcorp Genetics (formerly Invitae), Labcorp).

NM_001267550.2(TTN):c.13168G>T (p.Glu4390Ter)

Gene: TTN (titin; minus strand). Cytogenetic location: 2q31.2.
Variant type: single nucleotide variant.
Coding change: c.13168G>T on transcript NM_001267550.2 (MANE Select); coding-DNA position 13168, G replaced by T.
Protein change: p.Glu4390Ter; replaces glutamic acid 4390 with a stop codon.
Molecular consequence: nonsense. On other transcripts: intron variant (1).
Genome position (GRCh38, 1-based): chr2:178,740,065, C>A on the plus strand (G>T on the coding strand, the complement: TTN is on the minus strand). VCF-style: chr2-178740065-C-A. GRCh37 (hg19) VCF-style: chr2-179604792-C-A.
Other names: c.12217G>T, p.Glu4073Ter (NM_001256850.1); c.12079G>T, p.Glu4027Ter (NM_003319.4); c.12454G>T, p.Glu4152Ter (NM_133432.3); c.12655G>T, p.Glu4219Ter (NM_133437.4); c.10361-1705G>T (NM_133378.4); short protein forms E4027*, E4073*, E4390*, E4219*, E4152*.
Identifiers: ClinVar variation 3812277 (VCV003812277.2).